The following is an entry in ClinVar:

NM_000441.2(SLC26A4):c.249G>A (p.Trp83Ter)

Gene: SLC26A4 (solute carrier family 26 member 4; plus strand). Cytogenetic location: 7q22.3.
Variant type: single nucleotide variant.
Coding change: c.249G>A on transcript NM_000441.2 (MANE Select); coding-DNA position 249, G replaced by A.
Protein change: p.Trp83Ter; replaces tryptophan 83 with a stop codon.
Molecular consequence: nonsense.
Genome position (GRCh38, 1-based): chr7:107,663,380, G>A. VCF-style: chr7-107663380-G-A. GRCh37 (hg19) VCF-style: chr7-107303825-G-A.
Other names: short protein forms W83*.
Identifiers: ClinVar variation 370650 (VCV000370650.14), dbSNP rs1057516658, ClinGen allele CA16041100.

ClinVar aggregate classification (germline): Pathogenic. Review status: criteria provided, multiple submitters, no conflicts (2 of 4 stars). 4 submissions from 4 submitters: Pathogenic (3). 1 of the submissions does not count toward it. Last evaluated 2023-06-19.

Conditions:
Autosomal recessive nonsyndromic hearing loss 4 (DFNB4). Also called: DEAFNESS, AUTOSOMAL RECESSIVE 4, WITH ENLARGED VESTIBULAR AQUEDUCT, DIGENIC; Deafness, autosomal recessive 4; Enlarged vestibular aqueduct, digenic; FOXI1-Related Pendred Syndrome; KCNJ10-Related Pendred Syndrome; Deafness, autosomal recessive 4, with enlarged vestibular aqueduct. Identifiers: Orphanet 90636, MedGen C3538946, MONDO:0010933, OMIM 600791.
Pendred syndrome (PDS). Also called: HYPOTHYROIDISM, CONGENITAL, DUE TO DYSHORMONOGENESIS, 2B; Pendred's syndrome; THYROID DYSHORMONOGENESIS 2B; THYROID HORMONOGENESIS, GENETIC DEFECT IN, 2B; Pendred Syndrome (PDS); DEAFNESS WITH GOITER. Identifiers: Orphanet 705, MedGen C0271829, MONDO:0010134, OMIM 274600.

Submissions (4):

Baylor Genetics
Classification: Pathogenic for Autosomal recessive nonsyndromic hearing loss 4. Last evaluated: 2023-06-19. Review status: criteria provided, single submitter. Criteria: ACMG Guidelines, 2015. Collection method: clinical testing. Allele origin: unknown.

Genome-Nilou Lab
Classification: Pathogenic for Pendred syndrome. Last evaluated: 2021-09-05. Review status: criteria provided, single submitter. Criteria: ACMG Guidelines, 2015. Collection method: clinical testing. Allele origin: germline. Affected: no.

Labcorp Genetics (formerly Invitae), Labcorp
Classification: Pathogenic. Last evaluated: 2019-01-25. Review status: criteria provided, single submitter. Criteria: Invitae Variant Classification Sherloc (09022015). Collection method: clinical testing. Allele origin: germline.
Comment: Loss-of-function variants in SLC26A4 are known to be pathogenic (PMID: 16283880, 25394566, 26252218, 26445815). This variant is not present in population databases (ExAC no frequency). This variant has been observed to be homozygous or in combination with another SLC26A4 variant in individuals affected with deafness (PMID: 28901477, 28786104, 23185506, 27792752, 25372295). ClinVar contains an entry for this variant (Variation ID: 370650). This sequence change creates a premature translational stop signal (p.Trp83*) in the SLC26A4 gene. It is expected to result in an absent or disrupted protein product. For these reasons, this variant has been classified as Pathogenic.

Counsyl
Classification: Pathogenic for Pendred syndrome. Last evaluated: 2016-03-15. Review status: no assertion criteria provided. Collection method: clinical testing. Allele origin: unknown. Not counted in ClinVar's aggregate classification.

Literature cited by the submitters: PubMed 16283880 (cited by Labcorp Genetics (formerly Invitae), Labcorp); PubMed 25394566 (cited by Labcorp Genetics (formerly Invitae), Labcorp); PubMed 26252218 (cited by Labcorp Genetics (formerly Invitae), Labcorp); PubMed 26445815 (cited by Labcorp Genetics (formerly Invitae), Labcorp); PubMed 28901477 (cited by Labcorp Genetics (formerly Invitae), Labcorp); PubMed 28786104 (cited by Labcorp Genetics (formerly Invitae), Labcorp); PubMed 23185506 (cited by Labcorp Genetics (formerly Invitae), Labcorp); PubMed 27792752 (cited by Labcorp Genetics (formerly Invitae), Labcorp); PubMed 25372295 (cited by Labcorp Genetics (formerly Invitae), Labcorp and Counsyl).